The following is an entry in ClinVar:

NM_000246.4(CIITA):c.971C>T (p.Ala324Val)

Gene: CIITA (class II major histocompatibility complex transactivator; plus strand). Cytogenetic location: 16p13.13.
Variant type: single nucleotide variant.
Coding change: c.971C>T on transcript NM_000246.4 (MANE Select); coding-DNA position 971, C replaced by T.
Protein change: p.Ala324Val; replaces alanine 324 with valine.
Molecular consequence: missense variant. On other transcripts: non-coding transcript variant (1).
Genome position (GRCh38, 1-based): chr16:10,904,777, C>T. VCF-style: chr16-10904777-C-T. GRCh37 (hg19) VCF-style: chr16-10998634-C-T.
Other names: c.974C>T, p.Ala325Val (NM_001286402.1, NM_001379332.1); c.824C>T, p.Ala275Val (NM_001286403.2, NM_001379331.1); c.827C>T, p.Ala276Val (NM_001379330.1); c.971C>T, p.Ala324Val (NM_001379333.1); c.902C>T, p.Ala301Val (NM_001379334.1); short protein forms A276V, A324V, A301V, A275V, A325V.
Identifiers: ClinVar variation 1485007 (VCV001485007.8), dbSNP rs759389220, ClinGen allele CA7899986.

ClinVar aggregate classification (germline): Uncertain significance (1 of 4 stars; one submission).

Conditions:
MHC class II deficiency. Also called: BLS, TYPE II; Bare lymphocyte syndrome 2. Identifiers: Orphanet 572, MedGen C5447452, MONDO:0008855.

Allele frequency attached by ClinVar (database versions not stated): gnomAD exomes below 0.00001; ExAC 0.00001.
gnomAD v4.1: 3 of 1,614,164 alleles (0.00019%); highest among the groups gnomAD compares: South Asian, 0.0033%; no homozygotes.

Submission:

Labcorp Genetics (formerly Invitae), Labcorp
Classification: Uncertain significance for MHC class II deficiency. Last evaluated: 2023-05-15. Review status: criteria provided, single submitter. Criteria: Invitae Variant Classification Sherloc (09022015). Collection method: clinical testing. Allele origin: germline.
Comment: Algorithms developed to predict the effect of missense changes on protein structure and function output the following: SIFT: "Not Available"; PolyPhen-2: "Benign"; Align-GVGD: "Not Available". The valine amino acid residue is found in multiple mammalian species, which suggests that this missense change does not adversely affect protein function. In summary, the available evidence is currently insufficient to determine the role of this variant in disease. Therefore, it has been classified as a Variant of Uncertain Significance. ClinVar contains an entry for this variant (Variation ID: 1485007). This variant has not been reported in the literature in individuals affected with CIITA-related conditions. This variant is present in population databases (rs759389220, gnomAD 0.003%). This sequence change replaces alanine, which is neutral and non-polar, with valine, which is neutral and non-polar, at codon 324 of the CIITA protein (p.Ala324Val).